The following is an entry in ClinVar:

ClinVar aggregate classification (germline): Uncertain significance (1 of 4 stars; one submission).

Conditions:
Inborn genetic diseases. Identifiers: MedGen C0950123, MeSH D030342.

Submission:

Ambry Genetics
Classification: Uncertain significance for Inborn genetic diseases. Last evaluated: 2024-07-16. Review status: criteria provided, single submitter. Criteria: Ambry Variant Classification Scheme 2023. Collection method: clinical testing. Allele origin: germline.
Comment: The c.6217C>G (p.L2073V) alteration is located in exon 20 (coding exon 20) of the ARID1A gene. This alteration results from a C to G substitution at nucleotide position 6217, causing the leucine (L) at amino acid position 2073 to be replaced by a valine (V). This variant was not reported in population-based cohorts in the Genome Aggregation Database (gnomAD). This amino acid position is highly conserved in available vertebrate species. The in silico prediction for this alteration is inconclusive. Based on insufficient or conflicting evidence, the clinical significance of this alteration remains unclear.

NM_006015.6(ARID1A):c.6217C>G (p.Leu2073Val)

Gene: ARID1A (AT-rich interaction domain 1A; plus strand). Cytogenetic location: 1p36.11.
Variant type: single nucleotide variant.
Coding change: c.6217C>G on transcript NM_006015.6 (MANE Select); coding-DNA position 6217, C replaced by G.
Protein change: p.Leu2073Val; replaces leucine 2073 with valine.
Molecular consequence: missense variant.
Genome position (GRCh38, 1-based): chr1:26,780,115, C>G. VCF-style: chr1-26780115-C-G. GRCh37 (hg19) VCF-style: chr1-27106606-C-G.
Other names: c.5566C>G, p.Leu1856Val (NM_139135.4); short protein forms L1856V, L2073V.
Identifiers: ClinVar variation 3314306 (VCV003314306.2).